The following is an entry in ClinVar:

NM_139343.3(BIN1):c.1573-72C>T

Gene: BIN1 (bridging integrator 1; minus strand). Cytogenetic location: 2q14.3.
Variant type: single nucleotide variant.
Coding change: c.1573-72C>T on transcript NM_139343.3 (MANE Select); 72 bases into the intron before coding-DNA position 1573, C replaced by T.
Molecular consequence: intron variant.
Genome position (GRCh38, 1-based): chr2:127,050,594, G>A on the plus strand (C>T on the coding strand, the complement: BIN1 is on the minus strand). VCF-style: chr2-127050594-G-A. GRCh37 (hg19) VCF-style: chr2-127808170-G-A.
Other names: c.1492-72C>T (NM_001320642.1); c.949-72C>T (NM_001320634.1); c.1021-72C>T (NM_139351.3); c.1111-72C>T (NM_139350.3); c.1219-72C>T (NM_139349.3); c.1240-72C>T (NM_139348.3); c.1348-72C>T (NM_139347.3); c.1480-72C>T (NM_001320641.2); and 7 more.
Identifiers: ClinVar variation 678145 (VCV000678145.5), dbSNP rs7558001, ClinGen allele CA11125914.
Genomic context (GRCh38, chr2:127,050,594, plus strand): 5'-GCGGATCGCAAGTCAGACCTTCCGTCCCACCTCCAGCCCTGCACAGAGCACGGGCCTTGC[G>A]TGTGGGAGGTGCAGGTGGCAGTATGGAGACCAGGAGTGCTCAAAAGCAGCAGGACAGTAT-3'

ClinVar aggregate classification (germline): Benign. Review status: criteria provided, multiple submitters, no conflicts (2 of 4 stars). 3 submissions from 3 submitters: Benign (3). Last evaluated 2021-07-14.

Conditions:
Myopathy, centronuclear, 2 (CNM2). Also called: MYOTUBULAR MYOPATHY, AUTOSOMAL RECESSIVE. Identifiers: Orphanet 169186, MedGen CN031787, MONDO:0009709, OMIM 255200.

Allele frequency attached by ClinVar (database versions not stated): 1000 Genomes Project 0.19189; TOPMed 0.19656; 1000 Genomes Project 30x 0.19191.
gnomAD v4.1: 300,176 of 1,543,250 alleles (19%); highest among the groups gnomAD compares: African/African-American, 26%; 29,757 homozygotes.

Submissions (3):

Genome-Nilou Lab
Classification: Benign for Myopathy, centronuclear, 2. Last evaluated: 2021-07-14. Review status: criteria provided, single submitter. Criteria: ACMG Guidelines, 2015. Collection method: clinical testing. Allele origin: germline. Affected: no.

GeneDx
Classification: Benign. Last evaluated: 2018-06-19. Review status: criteria provided, single submitter. Criteria: GeneDx Variant Classification (06012015). Collection method: clinical testing. Allele origin: germline. Affected: yes.
Comment: This variant is considered likely benign or benign based on one or more of the following criteria: it is a conservative change, it occurs at a poorly conserved position in the protein, it is predicted to be benign by multiple in silico algorithms, and/or has population frequency not consistent with disease.

Breakthrough Genomics
Classification: Benign. Review status: criteria provided, single submitter. Criteria: ACMG Guidelines, 2015. Collection method: not provided. Allele origin: germline. Inheritance: Autosomal recessive inheritance. Affected: yes.